The following is an entry in ClinVar:

ClinVar aggregate classification (germline): Uncertain significance (1 of 4 stars; one submission).

Allele frequency attached by ClinVar (database versions not stated): TOPMed below 0.00001; gnomAD 0.00001.
gnomAD v4.1: 79 of 1,602,190 alleles (0.0049%); highest among the groups gnomAD compares: Non-Finnish European, 0.0063%; no homozygotes.

Submission:

Labcorp Genetics (formerly Invitae), Labcorp
Classification: Uncertain significance. Last evaluated: 2024-10-16. Review status: criteria provided, single submitter. Criteria: Invitae Variant Classification Sherloc (09022015). Collection method: clinical testing. Allele origin: germline.
Comment: This sequence change replaces arginine, which is basic and polar, with leucine, which is neutral and non-polar, at codon 12 of the SCP2 protein (p.Arg12Leu). The frequency data for this variant in the population databases is considered unreliable, as metrics indicate poor data quality at this position in the gnomAD database. This variant has not been reported in the literature in individuals affected with SCP2-related conditions. ClinVar contains an entry for this variant (Variation ID: 1479392). An algorithm developed to predict the effect of missense changes on protein structure and function (PolyPhen-2) suggests that this variant is likely to be tolerated. In summary, the available evidence is currently insufficient to determine the role of this variant in disease. Therefore, it has been classified as a Variant of Uncertain Significance.

NM_002979.5(SCP2):c.35G>T (p.Arg12Leu)

Gene: SCP2 (sterol carrier protein 2; plus strand). Cytogenetic location: 1p32.3.
Variant type: single nucleotide variant.
Coding change: c.35G>T on transcript NM_002979.5 (MANE Select); coding-DNA position 35, G replaced by T.
Protein change: p.Arg12Leu; replaces arginine 12 with leucine.
Molecular consequence: missense variant. On other transcripts: 5 prime UTR variant (1).
Genome position (GRCh38, 1-based): chr1:52,927,431, G>T. VCF-style: chr1-52927431-G-T. GRCh37 (hg19) VCF-style: chr1-53393103-G-T.
Other names: c.35G>T, p.Arg12Leu (NM_001007098.3, NM_001193599.2, NM_001193600.2 and 1 more transcripts); c.-151G>T (NM_001193617.2); short protein forms R12L.
Identifiers: ClinVar variation 1479392 (VCV001479392.6), dbSNP rs755353816, ClinGen allele CA22581842.